The following is an entry in ClinVar:

ClinVar aggregate classification (germline): Uncertain significance. Review status: criteria provided, multiple submitters, no conflicts (2 of 4 stars). 2 submissions from 2 submitters: Uncertain significance (2). Last evaluated 2024-07-23.

Conditions:
Charcot-Marie-Tooth disease axonal type 2V. Also called: CHARCOT-MARIE-TOOTH NEUROPATHY, TYPE 2V; CHARCOT-MARIE-TOOTH DISEASE, AXONAL, AUTOSOMAL DOMINANT, TYPE 2V. Identifiers: Orphanet 447964, MedGen C5569050, MONDO:0014665, OMIM 616491.
Mucopolysaccharidosis, MPS-III-B (MPS3B). Also called: N-ACETYL-ALPHA-D-GLUCOSAMINIDASE DEFICIENCY; NAGLU DEFICIENCY; SANFILIPPO SYNDROME B; MPS III B; MUCOPOLYSACCHARIDOSIS, TYPE IIIB; MPS IIIB (Sanfilippo Syndrome Type B). Identifiers: Orphanet 79270, MedGen C0086648, MONDO:0009656, OMIM 252920.

Submissions (2):

Women's Health and Genetics/Laboratory Corporation of America, LabCorp
Classification: Uncertain significance. Last evaluated: 2024-07-23. Review status: criteria provided, single submitter. Criteria: LabCorp Variant Classification Summary - May 2015. Collection method: clinical testing. Allele origin: germline.
Comment: Variant summary: NAGLU c.172G>C (p.Ala58Pro) results in a non-conservative amino acid change located in the Alpha-N-acetylglucosaminidase, N-terminal domain (IPR024240) of the encoded protein sequence. Three of five in-silico tools predict a benign effect of the variant on protein function. The variant was absent in 59268 control chromosomes. The available data on variant occurrences in the general population are insufficient to allow any conclusion about variant significance. To our knowledge, no occurrence of c.172G>C in individuals affected with Mucopolysaccharidosis Type IIIB (Sanfilippo Syndrome B) and no experimental evidence demonstrating its impact on protein function have been reported. ClinVar contains an entry for this variant (Variation ID: 2165818). Based on the evidence outlined above, the variant was classified as uncertain significance.

Labcorp Genetics (formerly Invitae), Labcorp
Classification: Uncertain significance for Charcot-Marie-Tooth disease axonal type 2V; Mucopolysaccharidosis, MPS-III-B. Last evaluated: 2022-09-06. Review status: criteria provided, single submitter. Criteria: Invitae Variant Classification Sherloc (09022015). Collection method: clinical testing. Allele origin: germline.
Comment: This sequence change replaces alanine, which is neutral and non-polar, with proline, which is neutral and non-polar, at codon 58 of the NAGLU protein (p.Ala58Pro). This variant is not present in population databases (gnomAD no frequency). This variant has not been reported in the literature in individuals affected with NAGLU-related conditions. Advanced modeling of protein sequence and biophysical properties (such as structural, functional, and spatial information, amino acid conservation, physicochemical variation, residue mobility, and thermodynamic stability) performed at Invitae indicates that this missense variant is not expected to disrupt NAGLU protein function. In summary, the available evidence is currently insufficient to determine the role of this variant in disease. Therefore, it has been classified as a Variant of Uncertain Significance.

NM_000263.4(NAGLU):c.172G>C (p.Ala58Pro)

Genes: NAGLU (N-acetyl-alpha-glucosaminidase; plus strand), LOC130060903 (ATAC-STARR-seq lymphoblastoid silent region 8533; plus strand). Cytogenetic location: 17q21.2.
Variant type: single nucleotide variant.
Coding change: c.172G>C on transcript NM_000263.4 (MANE Select); coding-DNA position 172, G replaced by C.
Protein change: p.Ala58Pro; replaces alanine 58 with proline.
Molecular consequence: missense variant.
Genome position (GRCh38, 1-based): chr17:42,536,444, G>C. VCF-style: chr17-42536444-G-C. GRCh37 (hg19) VCF-style: chr17-40688462-G-C.
Other names: short protein forms A58P.
Identifiers: ClinVar variation 2165818 (VCV002165818.2), dbSNP rs973885994, ClinGen allele CA399595511.